The following is an entry in ClinVar:

NM_000088.4(COL1A1):c.3506G>T (p.Gly1169Val)

Gene: COL1A1 (collagen type I alpha 1 chain; minus strand). Cytogenetic location: 17q21.33.
Variant type: single nucleotide variant.
Coding change: c.3506G>T on transcript NM_000088.4 (MANE Select); coding-DNA position 3506, G replaced by T.
Protein change: p.Gly1169Val; replaces glycine 1169 with valine.
Molecular consequence: missense variant.
Genome position (GRCh38, 1-based): chr17:50,187,040, C>A on the plus strand (G>T on the coding strand, the complement: COL1A1 is on the minus strand). VCF-style: chr17-50187040-C-A. GRCh37 (hg19) VCF-style: chr17-48264401-C-A.
Other names: short protein forms G1169V.
Identifiers: ClinVar variation 3347564 (VCV003347564.3).

ClinVar aggregate classification (germline): Likely pathogenic. Review status: criteria provided, single submitter (1 of 4 stars). 2 submissions from 2 submitters: Likely pathogenic (1). 1 of the submissions does not count toward it. Last evaluated 2024-03-18.

Conditions:
COL1A1-related disorder. Also called: COL1A1- related disease; COL1A1-related condition.
Osteogenesis imperfecta type I (OI1). Also called: OI, TYPE I; OSTEOGENESIS IMPERFECTA TARDA; OSTEOGENESIS IMPERFECTA WITH BLUE SCLERAE; Osteogenesis imperfecta type 1; Lobstein's Disease; Lobstein disease. Identifiers: Orphanet 216796, Orphanet 666, MedGen C0023931, MONDO:0008146, OMIM 166200. Disease mechanism: loss of function.

Submissions (2):

Labcorp Genetics (formerly Invitae), Labcorp
Classification: Likely pathogenic for Osteogenesis imperfecta type I. Last evaluated: 2024-03-18. Review status: criteria provided, single submitter. Criteria: Invitae Variant Classification Sherloc (09022015). Collection method: clinical testing. Allele origin: germline.
Comment: This sequence change replaces glycine, which is neutral and non-polar, with valine, which is neutral and non-polar, at codon 1169 of the COL1A1 protein (p.Gly1169Val). This variant is not present in population databases (gnomAD no frequency). This variant has not been reported in the literature in individuals affected with COL1A1-related conditions. Advanced modeling of protein sequence and biophysical properties (such as structural, functional, and spatial information, amino acid conservation, physicochemical variation, residue mobility, and thermodynamic stability) performed at Invitae indicates that this missense variant is expected to disrupt COL1A1 protein function with a positive predictive value of 95%. This variant disrupts the triple helix domain of COL1A1. Glycine residues within the Gly-Xaa-Yaa repeats of the triple helix domain are required for the structure and stability of fibrillar collagens (PMID: 7695699, 8218237, 19344236). In COL1A1, variants affecting these glycine residues are significantly enriched in individuals with disease (PMID: 9016532, 17078022) compared to the general population (ExAC). In summary, the currently available evidence indicates that the variant is pathogenic, but additional data are needed to prove that conclusively. Therefore, this variant has been classified as Likely Pathogenic.

PreventionGenetics, part of Exact Sciences
Classification: Likely pathogenic for COL1A1-related condition. Last evaluated: 2024-04-04. Review status: no assertion criteria provided. Collection method: clinical testing. Allele origin: germline. Not counted in ClinVar's aggregate classification.
Comment: The COL1A1 c.3506G>T variant is predicted to result in the amino acid substitution p.Gly1169Val. To our knowledge, this variant has not been reported in the literature or in a large population database, indicating this variant is rare. This variant is located in the conserved Gly-Xaa-Yaa triple helical domain where substitutions of a glycine are usually pathogenic (Residues 179-1192; Legacy nomenclature in Marini et al. 2007. PubMed ID: 17078022 indicates amino acids 1-1012; Symoens. 2014. PubMed ID: 25146735). Other missense changes impacting the same glycine residue (p.Gly1169Ser and p.Gly1169Cys) have been reported in individuals with osteogenesis imperfecta (Table S1, Marini et al. 2007. PubMed ID: 17078022). Taken together, this variant is interpreted as likely pathogenic.

Literature cited by the submitters: PubMed 7695699 (cited by Labcorp Genetics (formerly Invitae), Labcorp); PubMed 8218237 (cited by Labcorp Genetics (formerly Invitae), Labcorp); PubMed 19344236 (cited by Labcorp Genetics (formerly Invitae), Labcorp); PubMed 9016532 (cited by Labcorp Genetics (formerly Invitae), Labcorp); PubMed 17078022 (cited by Labcorp Genetics (formerly Invitae), Labcorp).